The following is an entry in ClinVar:

NM_000217.3(KCNA1):c.1415A>G (p.Asn472Ser)

Gene: KCNA1 (potassium voltage-gated channel subfamily A member 1; plus strand). Cytogenetic location: 12p13.32.
Variant type: single nucleotide variant.
Coding change: c.1415A>G on transcript NM_000217.3 (MANE Select); coding-DNA position 1415, A replaced by G.
Protein change: p.Asn472Ser; replaces asparagine 472 with serine.
Molecular consequence: missense variant.
Genome position (GRCh38, 1-based): chr12:4,912,793, A>G. VCF-style: chr12-4912793-A-G. GRCh37 (hg19) VCF-style: chr12-5021959-A-G.
Other names: short protein forms N472S.
Identifiers: ClinVar variation 849888 (VCV000849888.9), dbSNP rs150612442, ClinGen allele CA6399508.
Genomic context (GRCh38, chr12:4,912,793, plus strand): 5'-CTGAGTACATGGAGATCGAAGAGGATATGAATAATAGCATAGCCCATTATAGACAGGTCA[A>G]TATCAGAACTGCCAATTGCACCACTGCTAACCAAAACTGCGTTAATAAGAGCAAGCTACT-3'
Protein context (NP_000208.2, residues 462-482): NNSIAHYRQV[Asn472Ser]IRTANCTTAN

ClinVar aggregate classification (germline): Uncertain significance (1 of 4 stars; one submission).

Conditions:
Episodic ataxia type 1 (EA1). Also called: MYOKYMIA WITH PERIODIC ATAXIA; PAROXYSMAL ATAXIA WITH NEUROMYOTONIA, HEREDITARY; ATAXIA, EPISODIC, WITH MYOKYMIA; Episodic ataxia/myokymia syndrome. Identifiers: Orphanet 37612, Orphanet 972, MedGen C1719788, MONDO:0008047, OMIM 160120.

Allele frequency attached by ClinVar (database versions not stated): ExAC 0.00001; gnomAD 0.00001; gnomAD exomes 0.00002; TOPMed 0.00002; ESP Exome Variant Server 0.00008.
gnomAD v4.1: 33 of 1,614,022 alleles (0.002%); highest among the groups gnomAD compares: Non-Finnish European, 0.0022%; no homozygotes.

Submission:

Labcorp Genetics (formerly Invitae), Labcorp
Classification: Uncertain significance for Episodic ataxia type 1. Last evaluated: 2025-01-23. Review status: criteria provided, single submitter. Criteria: Invitae Variant Classification Sherloc (09022015). Collection method: clinical testing. Allele origin: germline.
Comment: This sequence change replaces asparagine, which is neutral and polar, with serine, which is neutral and polar, at codon 472 of the KCNA1 protein (p.Asn472Ser). This variant is present in population databases (rs150612442, gnomAD 0.004%). This variant has not been reported in the literature in individuals affected with KCNA1-related conditions. ClinVar contains an entry for this variant (Variation ID: 849888). An algorithm developed to predict the effect of missense changes on protein structure and function outputs the following: PolyPhen-2: "Benign". The serine amino acid residue is found in multiple mammalian species, which suggests that this missense change does not adversely affect protein function. Algorithms developed to predict the effect of sequence changes on RNA splicing suggest that this variant may create or strengthen a splice site. In summary, the available evidence is currently insufficient to determine the role of this variant in disease. Therefore, it has been classified as a Variant of Uncertain Significance.